The following is an entry in ClinVar:

ClinVar aggregate classification (germline): Uncertain significance (1 of 4 stars; one submission).

Allele frequency attached by ClinVar (database versions not stated): TOPMed below 0.00001; gnomAD 0.00001; gnomAD exomes 0.00005.
gnomAD v4.1: 67 of 1,614,114 alleles (0.0042%); highest among the groups gnomAD compares: Non-Finnish European, 0.0057%; no homozygotes.

Submission:

Labcorp Genetics (formerly Invitae), Labcorp
Classification: Uncertain significance. Last evaluated: 2024-12-03. Review status: criteria provided, single submitter. Criteria: Invitae Variant Classification Sherloc (09022015). Collection method: clinical testing. Allele origin: germline.
Comment: This sequence change replaces phenylalanine, which is neutral and non-polar, with cysteine, which is neutral and slightly polar, at codon 609 of the DISP1 protein (p.Phe609Cys). This variant is present in population databases (rs748634730, gnomAD 0.0009%). This variant has not been reported in the literature in individuals affected with DISP1-related conditions. ClinVar contains an entry for this variant (Variation ID: 1899914). An algorithm developed to predict the effect of missense changes on protein structure and function (PolyPhen-2) suggests that this variant is likely to be disruptive. In summary, the available evidence is currently insufficient to determine the role of this variant in disease. Therefore, it has been classified as a Variant of Uncertain Significance.

NM_001377229.1(DISP1):c.1826T>G (p.Phe609Cys)

Gene: DISP1 (dispatched RND transporter family member 1; plus strand). Cytogenetic location: 1q41.
Variant type: single nucleotide variant.
Coding change: c.1826T>G on transcript NM_001377229.1 (MANE Select); coding-DNA position 1826, T replaced by G.
Protein change: p.Phe609Cys; replaces phenylalanine 609 with cysteine.
Molecular consequence: missense variant.
Genome position (GRCh38, 1-based): chr1:223,003,223, T>G. VCF-style: chr1-223003223-T-G. GRCh37 (hg19) VCF-style: chr1-223176565-T-G.
Other names: c.1097T>G, p.Phe366Cys (NM_001350630.2); c.1826T>G, p.Phe609Cys (NM_001369594.1, NM_001377228.1, NM_032890.5); short protein forms F609C, F366C.
Identifiers: ClinVar variation 1899914 (VCV001899914.5), dbSNP rs748634730, ClinGen allele CA38407747.